The following is an entry in ClinVar:

NM_020888.3(NHSL3):c.1703G>A (p.Arg568Gln)

Gene: NHSL3 (NHS like 3; plus strand). Cytogenetic location: 1p35.1.
Variant type: single nucleotide variant.
Coding change: c.1703G>A on transcript NM_020888.3 (MANE Select); coding-DNA position 1703, G replaced by A.
Protein change: p.Arg568Gln; replaces arginine 568 with glutamine.
Molecular consequence: missense variant. On other transcripts: intron variant (1).
Genome position (GRCh38, 1-based): chr1:32,770,882, G>A. VCF-style: chr1-32770882-G-A. GRCh37 (hg19) VCF-style: chr1-33236483-G-A.
Other names: c.1526G>A, p.Arg509Gln (NM_001198972.2); c.1559G>A, p.Arg520Gln (NM_001369553.1); c.410-1983G>A (NM_001198973.2); short protein forms R509Q, R520Q, R568Q.
Identifiers: ClinVar variation 2638611 (VCV002638611.23), dbSNP rs138055320, ClinGen allele CA744462.
Genomic context (GRCh38, chr1:32,770,882, plus strand): 5'-CACCCTGTCCACCCAACCCAGCCAACAGCTGGGTACCTGGCTTGTCTCCGGGTGGTTCCC[G>A]GCGCCCCCCACGGTCCCCAGAACGGACACTTTCGCCCTCCAGTGGATACTCGAGCCAAAG-3'
Protein context (NP_065939.2, residues 558-578): WVPGLSPGGS[Arg568Gln]RPPRSPERTL

ClinVar aggregate classification (germline): Likely benign (1 of 4 stars; one submission).

Allele frequency attached by ClinVar (database versions not stated): 1000 Genomes Project 30x 0.00219; 1000 Genomes Project 0.00240; gnomAD 0.00451; TOPMed 0.00451; ExAC 0.00454; ESP Exome Variant Server 0.00479; gnomAD exomes 0.00594.
gnomAD v4.1: 9,388 of 1,608,968 alleles (0.58%); highest among the groups gnomAD compares: Middle Eastern, 0.98%; 24 homozygotes.

Submission:

CeGaT Center for Human Genetics Tuebingen
Classification: Likely benign. Last evaluated: 2023-02-01. Review status: criteria provided, single submitter. Criteria: CeGaT Center For Human Genetics Tuebingen Variant Classification Criteria Version 2. Collection method: clinical testing. Allele origin: germline. Affected: yes. Observed: 1 variant allele.
Comment: NHSL3: BS2